The following is an entry in ClinVar:

ClinVar aggregate classification (germline): Likely benign. Review status: criteria provided, multiple submitters, no conflicts (2 of 4 stars). 3 submissions from 3 submitters: Likely benign (3). Last evaluated 2025-10-11.

Conditions:
Cardiac arrhythmia. Also called: Cardiac rhythm disease; Arrhythmia. Identifiers: MedGen C0003811, MONDO:0007263, HP:0011675.
Long QT syndrome (LQTS). Identifiers: MedGen C0023976, MeSH D008133, MONDO:0002442. Disease mechanism: loss of function. Inheritance: Various modes of inheritance.

Allele frequency attached by ClinVar (database versions not stated): gnomAD exomes below 0.00001; ExAC 0.00001.

Submissions (3):

Labcorp Genetics (formerly Invitae), Labcorp
Classification: Likely benign for Long QT syndrome. Last evaluated: 2025-10-11. Review status: criteria provided, single submitter. Criteria: Invitae Variant Classification Sherloc (09022015). Collection method: clinical testing. Allele origin: germline.

All of Us Research Program, National Institutes of Health
Classification: Likely benign for Long QT syndrome. Last evaluated: 2024-05-14. Review status: criteria provided, single submitter. Criteria: ACMG Guidelines, 2015. Collection method: clinical testing. Allele origin: germline. Inheritance: Autosomal dominant inheritance. Observed: 2 variant alleles, 2 heterozygotes.
Comment: This study involves interpretation of variants in research participants for the purpose of population health screening. Participant phenotype was not available at the time of variant classification. Additional details can be found in publication PMID: 35346344, PMCID: PMC8962531

Color Diagnostics, LLC DBA Color Health
Classification: Likely benign for Arrhythmia. Last evaluated: 2019-01-20. Review status: criteria provided, single submitter. Criteria: ACMG Guidelines, 2015. Collection method: clinical testing. Allele origin: germline.

NM_000238.4(KCNH2):c.2670C>T (p.Ser890=)

Gene: KCNH2 (potassium voltage-gated channel subfamily H member 2; minus strand). Cytogenetic location: 7q36.1.
Variant type: single nucleotide variant.
Coding change: c.2670C>T on transcript NM_000238.4 (MANE Select); coding-DNA position 2670, C replaced by T.
Protein change: p.Ser890=; no amino-acid change (serine 890 retained).
Molecular consequence: synonymous variant.
Genome position (GRCh38, 1-based): chr7:150,948,466, G>A on the plus strand (C>T on the coding strand, the complement: KCNH2 is on the minus strand). VCF-style: chr7-150948466-G-A. GRCh37 (hg19) VCF-style: chr7-150645554-G-A.
Other names: c.1650C>T, p.Ser550= (NM_172057.3).
Identifiers: ClinVar variation 923502 (VCV000923502.7), dbSNP rs759861732, ClinGen allele CA033884.
Genomic context (GRCh38, chr7:150,948,466, plus strand): 5'-GTCCCCGCCCTCCCCCTTCCTCCCCTCCCCCGCCTCACCCTTGTCCGTGCGCCTGCGGAA[G>A]GACAACTTGCGCTTGCGTTGCCGACTGAAGCCACCCTCTAACTCCGTACTGCCGGGGGAG-3'
Protein context (NP_000229.1, residues 880-900): GFSRQRKRKL[Ser890=]FRRRTDKDTE